The following is an entry in ClinVar:

ClinVar aggregate classification (germline): Pathogenic/Likely pathogenic. Review status: criteria provided, multiple submitters, no conflicts (2 of 4 stars). 2 submissions from 2 submitters: Pathogenic (1); Likely pathogenic (1). Last evaluated 2023-11-06.

Conditions:
Ataxia-telangiectasia syndrome (AT). Also called: Ataxia telangiectasia (A-T); LOUIS-BAR SYNDROME; Cerebello-oculocutaneous telangiectasia; Immunodeficiency with ataxia telangiectasia; Ataxia-telangiectasia, complementation group D; AT, COMPLEMENTATION GROUP C. Identifiers: Orphanet 100, MedGen C0004135, MONDO:0008840, OMIM 208900.

Submissions (2):

Mayo Clinic Laboratories, Mayo Clinic
Classification: Likely pathogenic. Last evaluated: 2023-11-06. Review status: criteria provided, single submitter. Criteria: ACMG Guidelines, 2015. Collection method: clinical testing. Allele origin: germline. Observed: 1 variant allele.
Comment: PM2, PVS1

Labcorp Genetics (formerly Invitae), Labcorp
Classification: Pathogenic for Ataxia-telangiectasia syndrome. Last evaluated: 2016-12-14. Review status: criteria provided, single submitter. Criteria: Invitae Variant Classification Sherloc (09022015). Collection method: clinical testing. Allele origin: germline.
Comment: This sequence change inserts 1 nucleotide in exon 30 of the ATM mRNA (c.4522dupT), causing a frameshift at codon 1508. This creates a premature translational stop signal (p.Tyr1508Leufs*3) and is expected to result in an absent or disrupted protein product. While this particular variant has not been reported in the literature, loss-of-function variants in ATM are known to be pathogenic (PMID: 10817650, 19781682). For these reasons, this variant has been classified as Pathogenic.

Literature cited by the submitters: PubMed 10817650 (cited by Labcorp Genetics (formerly Invitae), Labcorp); PubMed 19781682 (cited by Labcorp Genetics (formerly Invitae), Labcorp).

NM_000051.4(ATM):c.4522dup (p.Tyr1508fs)

Gene: ATM (ATM serine/threonine kinase; plus strand). Cytogenetic location: 11q22.3.
Variant type: Duplication.
Coding change: c.4522dup on transcript NM_000051.4 (MANE Select); coding-DNA position 4522, one base duplicated (T; older notation c.4522dupT).
Protein change: p.Tyr1508fs; shifts the reading frame from tyrosine 1508.
Molecular consequence: frameshift variant.
Genome position (GRCh38, 1-based): chr11:108,292,704, T duplicated; the last of 2 consecutive T bases (chr11:108,292,703-108,292,704); duplicating either gives the same sequence. VCF-style (leftmost placement, unchanged base first): chr11-108292702-C-CT. GRCh37 (hg19) VCF-style: chr11-108163429-C-CT.
Other names: p.Tyr1508Leufs*3; c.4522dupT (NM_000051.3); c.4522dup, p.Tyr1508fs (NM_001351834.2); c.4522dup (NM_000051.3); short protein forms Y1508fs.
Identifiers: ClinVar variation 407527 (VCV000407527.7), dbSNP rs1555099888, ClinGen allele CA16613145.
Genomic context (GRCh38, chr11:108,292,702, plus strand): 5'-CATTACGTAGCTTCTCCCTTTGTTGTGACTTATTAAGTCAGGTTTGCCAGACAGCCGTGA[C>CT]TTACTGTAAGGATGCTCTAGAAAACCATCTTCATGTTATTGTTGGTACACTTATACCCCT-3'